The following is an entry in ClinVar:

ClinVar aggregate classification (germline): Uncertain significance. Review status: criteria provided, multiple submitters, no conflicts (2 of 4 stars). 2 submissions from 2 submitters: Uncertain significance (2). Last evaluated 2025-09-28.

Conditions:
Familial thoracic aortic aneurysm and aortic dissection (TAAD). Also called: Thoracic aortic aneurysms and dissections. Identifiers: Orphanet 91387, MedGen C4707243, MONDO:0019625.

Submissions (2):

GeneDx
Classification: Uncertain significance. Last evaluated: 2025-09-28. Review status: criteria provided, single submitter. Criteria: GeneDx Variant Classification Process June 2021. Collection method: clinical testing. Allele origin: germline.
Comment: Not observed at significant frequency in large population cohorts (gnomAD); In silico analysis supports that this missense variant has a deleterious effect on protein structure/function; Has not been previously published as pathogenic or benign to our knowledge

All of Us Research Program, National Institutes of Health
Classification: Uncertain significance for Familial thoracic aortic aneurysm and aortic dissection. Last evaluated: 2023-06-08. Review status: criteria provided, single submitter. Criteria: ACMG Guidelines, 2015. Collection method: clinical testing. Allele origin: germline. Inheritance: Autosomal dominant inheritance. Observed: 1 variant allele, 1 heterozygote.
Comment: This missense variant replaces serine with cysteine at codon 318 of the MYH11 protein. Computational prediction suggests that this variant may have deleterious impact on protein structure and function (internally defined REVEL score threshold >= 0.7, PMID: 27666373). To our knowledge, functional studies have not been reported for this variant. This variant has not been reported in individuals affected with MYH11-related disorders in the literature. This variant has not been identified in the general population by the Genome Aggregation Database (gnomAD). The available evidence is insufficient to determine the role of this variant in disease conclusively. Therefore, this variant is classified as a Variant of Uncertain Significance.

This study involves interpretation of variants in research participants for the purpose of population health screening. Participant phenotype was not available at the time of variant classification. Additional details can be found in publication PMID: 35346344, PMCID: PMC8962531

NM_002474.3(MYH11):c.932C>G (p.Ser311Cys)

Gene: MYH11 (myosin heavy chain 11; minus strand). Cytogenetic location: 16p13.11.
Variant type: single nucleotide variant.
Coding change: c.932C>G on transcript NM_002474.3 (MANE Select); coding-DNA position 932, C replaced by G.
Protein change: p.Ser311Cys; replaces serine 311 with cysteine.
Molecular consequence: missense variant.
Genome position (GRCh38, 1-based): chr16:15,771,670, G>C on the plus strand (C>G on the coding strand, the complement: MYH11 is on the minus strand). VCF-style: chr16-15771670-G-C. GRCh37 (hg19) VCF-style: chr16-15865527-G-C.
Other names: c.953C>G, p.Ser318Cys (NM_001040113.2, NM_001040114.2); c.932C>G, p.Ser311Cys (NM_022844.3); c.932C>G (NM_002474.2); short protein forms S311C, S318C.
Identifiers: ClinVar variation 3071562 (VCV003071562.3), dbSNP rs866269205, ClinGen allele CA394868010.
Genomic context (GRCh38, chr16:15,771,670, plus strand): 5'-TCCACGGTTTCCTGGAACATCTCATCATCCTGGGCTGCTGGGATGGGCACAAAGCCATTG[G>C]AGAGGAAGGTGTAGTTGTTGAAGCCCTCCAAAAGCAAGTCACCTAGAAGGAGAGGAAGAC-3'
Protein context (NP_002465.1, residues 301-321): LEGFNNYTFL[Ser311Cys]NGFVPIPAAQ